The following is an entry in ClinVar:

ClinVar aggregate classification (germline): Uncertain significance (1 of 4 stars; one submission).

Conditions:
Hereditary cancer-predisposing syndrome. Also called: Neoplastic Syndromes, Hereditary; Tumor predisposition; Hereditary Cancer Syndrome; Hereditary neoplastic syndrome. Identifiers: Orphanet 140162, MedGen C0027672, MeSH D009386, MONDO:0015356.

Allele frequency attached by ClinVar (database versions not stated): gnomAD exomes below 0.00001.
gnomAD v4.1: 2 of 1,608,250 alleles (0.00012%); highest among the groups gnomAD compares: East Asian, 0.0045%; no homozygotes.

Submission:

Ambry Genetics
Classification: Uncertain significance for Hereditary cancer-predisposing syndrome. Last evaluated: 2026-05-13. Review status: criteria provided, single submitter. Criteria: Ambry Variant Classification Scheme 2023. Collection method: clinical testing. Allele origin: germline.
Comment: The c.1317-5T>C intronic variant results from a T to C substitution 5 nucleotides upstream from coding exon 15 in the CDC73 gene. This nucleotide position is not well conserved in available vertebrate species. In silico splice site analysis for this alteration is inconclusive; however, direct evidence is insufficient at this time (Ambry internal data). Since supporting evidence is limited at this time, the clinical significance of this alteration remains unclear.

NM_024529.5(CDC73):c.1317-5T>C

Gene: CDC73 (cell division cycle 73; plus strand). Cytogenetic location: 1q31.2.
Variant type: single nucleotide variant.
Coding change: c.1317-5T>C on transcript NM_024529.5 (MANE Select); 5 bases into the intron before coding-DNA position 1317, T replaced by C.
Molecular consequence: intron variant.
Genome position (GRCh38, 1-based): chr1:193,236,251, T>C. VCF-style: chr1-193236251-T-C. GRCh37 (hg19) VCF-style: chr1-193205381-T-C.
Identifiers: ClinVar variation 1769801 (VCV001769801.4), dbSNP rs185071564, ClinGen allele CA2580061777.